The following is an entry in ClinVar:

ClinVar aggregate classification (germline): Uncertain significance (1 of 4 stars; one submission).

Conditions:
Dyskeratosis congenita. Identifiers: Orphanet 1775, MedGen C0265965, MONDO:0015780.

Submission:

Labcorp Genetics (formerly Invitae), Labcorp
Classification: Uncertain significance for Dyskeratosis congenita. Last evaluated: 2019-03-14. Review status: criteria provided, single submitter. Criteria: Invitae Variant Classification Sherloc (09022015). Collection method: clinical testing. Allele origin: germline.
Comment: A gross duplication of the genomic region encompassing the full coding sequence of the DKC1 gene has been identified. The boundaries of this event are unknown as the duplication extends beyond the assayed region for this gene and therefore may encompass additional genes. As the precise location of this duplication is unknown, it may be in tandem or it may be located elsewhere in the genome. This variant has not been reported in the literature in individuals with DKC1-related disease. Experimental studies and prediction algorithms are not available for this variant, and the functional significance of this duplication is currently unknown. In summary, the available evidence is currently insufficient to determine the role of this variant in disease. Therefore, it has been classified as a Variant of Uncertain Significance.

NC_000023.10:g.(?_153991099)_(154005162_?)dup

Gene: DKC1 (dyskerin pseudouridine synthase 1; plus strand). Cytogenetic location: Xq28.
Variant type: Duplication.
Identifiers: ClinVar variation 832263 (VCV000832263.1).